The following is an entry in ClinVar:

ClinVar aggregate classification (germline): Uncertain significance (1 of 4 stars; one submission).

Conditions:
Biotinidase deficiency. Also called: BTD deficiency; Late-onset biotin-responsive multiple carboxylase deficiency; Biotin deficiency. Identifiers: Orphanet 79241, MedGen C0220754, MONDO:0009665, OMIM 253260.

gnomAD v4.1: 1 of 1,614,178 alleles (0.000062%); no homozygotes.

Submission:

Labcorp Genetics (formerly Invitae), Labcorp
Classification: Uncertain significance for Biotinidase deficiency. Last evaluated: 2026-01-27. Review status: criteria provided, single submitter. Criteria: Invitae Variant Classification Sherloc (09022015). Collection method: clinical testing. Allele origin: germline.
Comment: This sequence change replaces tyrosine, which is neutral and polar, with histidine, which is basic and polar, at codon 322 of the BTD protein (p.Tyr322His). This variant is present in population databases (no rsID available, gnomAD no frequency). This variant has not been reported in the literature in individuals affected with BTD-related conditions. An algorithm developed to predict the effect of missense changes on protein structure and function outputs the following: PolyPhen-2: "Benign". The histidine amino acid residue is found in multiple mammalian species, which suggests that this missense change does not adversely affect protein function. In summary, the available evidence is currently insufficient to determine the role of this variant in disease. Therefore, it has been classified as a Variant of Uncertain Significance.

NM_001370658.1(BTD):c.904T>C (p.Tyr302His)

Gene: BTD (biotinidase; plus strand). Cytogenetic location: 3p25.1.
Variant type: single nucleotide variant.
Coding change: c.904T>C on transcript NM_001370658.1 (MANE Select); coding-DNA position 904, T replaced by C.
Protein change: p.Tyr302His; replaces tyrosine 302 with histidine.
Molecular consequence: missense variant. On other transcripts: intron variant (6).
Genome position (GRCh38, 1-based): chr3:15,644,820, T>C. VCF-style: chr3-15644820-T-C. GRCh37 (hg19) VCF-style: chr3-15686327-T-C.
Other names: c.904T>C, p.Tyr302His (NM_001281723.4, NM_001281724.3, NM_001281725.3 and 18 more transcripts); c.399+2763T>C (NM_001370753.1, NM_001407400.1, NM_001407401.1 and 3 more transcripts); short protein forms Y302H.
Identifiers: ClinVar variation 4798040 (VCV004798040.1).